The following is an entry in ClinVar:

NM_000334.4(SCN4A):c.2938_2976del (p.Gln980_Glu992del)

Genes: GH-LCR (growth hormone locus control region; plus strand), SCN4A (sodium voltage-gated channel alpha subunit 4; minus strand). Cytogenetic location: 17q23.3.
Variant type: Deletion.
Coding change: c.2938_2976del on transcript NM_000334.4 (MANE Select); coding-DNA positions 2938 to 2976, 39 bases deleted.
Protein change: p.Gln980_Glu992del.
Molecular consequence: inframe deletion.
Genome position (GRCh38, 1-based): chr17:63,949,406-63,949,444, 39 bases deleted; deleting any 39 consecutive bases within chr17:63,949,406-63,949,453 gives the same sequence; the c. name uses the placement nearest the transcript's 3' end. GRCh37 (hg19): chr17:62,026,775-62,026,813.
Identifiers: ClinVar variation 1309969 (VCV001309969.2), dbSNP rs2144784283, ClinGen allele CA2573054544.

ClinVar aggregate classification (germline): Uncertain significance (1 of 4 stars; one submission).

Submission:

GeneDx
Classification: Uncertain significance. Last evaluated: 2019-11-01. Review status: criteria provided, single submitter. Criteria: GeneDx Variant Classification Process June 2021. Collection method: clinical testing. Allele origin: germline. Affected: yes.
Comment: Not observed in large population cohorts (Lek et al., 2016); In-frame deletion of 13 amino acids in a non-repeat region; In silico analysis, which includes protein predictors and evolutionary conservation, supports a deleterious effect; Has not been previously published as pathogenic or benign to our knowledge